The following is an entry in ClinVar:

NM_002075.4(GNB3):c.910C>T (p.Arg304Cys)

Genes: CDCA3 (cell division cycle associated 3; minus strand), GNB3 (G protein subunit beta 3; plus strand). Cytogenetic location: 12p13.31.
Variant type: single nucleotide variant.
Coding change: c.910C>T on transcript NM_002075.4 (MANE Select); coding-DNA position 910, C replaced by T.
Protein change: p.Arg304Cys; replaces arginine 304 with cysteine.
Molecular consequence: missense variant. On other transcripts: 3 prime UTR variant (1).
Genome position (GRCh38, 1-based): chr12:6,845,796, C>T. VCF-style: chr12-6845796-C-T. GRCh37 (hg19) VCF-style: chr12-6954960-C-T.
Other names: c.907C>T, p.Arg303Cys (NM_001297571.2); c.*992G>A (NM_001297603.3); short protein forms R304C, R303C.
Identifiers: ClinVar variation 1484443 (VCV001484443.12), dbSNP rs782626186, ClinGen allele CA6417698.

ClinVar aggregate classification (germline): Uncertain significance. Review status: criteria provided, multiple submitters, no conflicts (2 of 4 stars). 3 submissions from 3 submitters: Uncertain significance (3). Last evaluated 2025-11-17.

Conditions:
Inborn genetic diseases. Identifiers: MedGen C0950123, MeSH D030342.

Allele frequency attached by ClinVar (database versions not stated): gnomAD 0.00001.
gnomAD v4.1: 21 of 1,611,644 alleles (0.0013%); highest among the groups gnomAD compares: East Asian, 0.0022%; no homozygotes.

Submissions (3):

Labcorp Genetics (formerly Invitae), Labcorp
Classification: Uncertain significance. Last evaluated: 2025-11-17. Review status: criteria provided, single submitter. Criteria: Invitae Variant Classification Sherloc (09022015). Collection method: clinical testing. Allele origin: germline.
Comment: This sequence change replaces arginine, which is basic and polar, with cysteine, which is neutral and slightly polar, at codon 304 of the GNB3 protein (p.Arg304Cys). This variant is present in population databases (rs782626186, gnomAD 0.005%). This variant has not been reported in the literature in individuals affected with GNB3-related conditions. ClinVar contains an entry for this variant (Variation ID: 1484443). Invitae Evidence Modeling of protein sequence and biophysical properties (such as structural, functional, and spatial information, amino acid conservation, physicochemical variation, residue mobility, and thermodynamic stability) indicates that this missense variant is not expected to disrupt GNB3 protein function with a negative predictive value of 80%. In summary, the available evidence is currently insufficient to determine the role of this variant in disease. Therefore, it has been classified as a Variant of Uncertain Significance.

Ambry Genetics
Classification: Uncertain significance for Inborn genetic diseases. Last evaluated: 2025-08-05. Review status: criteria provided, single submitter. Criteria: Ambry Variant Classification Scheme 2023. Collection method: clinical testing. Allele origin: germline.

Blueprint Genetics
Classification: Uncertain significance. Last evaluated: 2024-01-23. Review status: criteria provided, single submitter. Criteria: ACMG Guidelines, 2015. Collection method: clinical testing. Allele origin: germline.